The following is an entry in ClinVar:

NM_003612.5(SEMA7A):c.620G>A (p.Arg207Gln)

Gene: SEMA7A (semaphorin 7A (JohnMiltonHagen blood group); minus strand). Cytogenetic location: 15q24.1.
Variant type: single nucleotide variant.
Coding change: c.620G>A on transcript NM_003612.5 (MANE Select); coding-DNA position 620, G replaced by A.
Protein change: p.Arg207Gln; replaces arginine 207 with glutamine.
Molecular consequence: missense variant.
Genome position (GRCh38, 1-based): chr15:74,417,376, C>T on the plus strand (G>A on the coding strand, the complement: SEMA7A is on the minus strand). VCF-style: chr15-74417376-C-T. GRCh37 (hg19) VCF-style: chr15-74709717-C-T.
Other names: c.578G>A, p.Arg193Gln (NM_001146029.3); c.125G>A, p.Arg42Gln (NM_001146030.3); c.620G>A (NM_003612.4); short protein forms R207Q, R193Q, R42Q.
Identifiers: ClinVar variation 35576 (VCV000035576.2), dbSNP rs55637216, ClinGen allele CA129957.

ClinVar aggregate classification (germline): Uncertain significance. Review status: criteria provided, single submitter (1 of 4 stars). 2 submissions from 2 submitters: Uncertain significance (1). 1 of the submissions does not count toward it. Last evaluated 2026-06-15.

Conditions:
SEMA7A-related disorder. Also called: SEMA7A-related condition.
John Milton Hagen blood group system (JMH). Also called: JMH BLOOD GROUP SYSTEM; JOHN MILTON HAGEN BLOOD GROUP SYSTEM, JMH-VARIANT PHENOTYPE. Identifiers: MedGen C3553633, OMIM 614745.

Allele frequency attached by ClinVar (database versions not stated): gnomAD 0.00031 and 0.00034; gnomAD exomes 0.00033; ExAC 0.00035; TOPMed 0.00036; ESP Exome Variant Server 0.00062.
gnomAD v4.1: 796 of 1,613,916 alleles (0.049%); highest among the groups gnomAD compares: South Asian, 0.068%; 1 homozygote.

Submissions (2):

PreventionGenetics, part of Exact Sciences
Classification: Uncertain significance for SEMA7A-related condition. Last evaluated: 2026-06-15. Review status: criteria provided, single submitter. Criteria: ACMG Guidelines, 2015. Collection method: clinical testing. Allele origin: germline.
Comment: The SEMA7A c.620G>A variant is predicted to result in the amino acid substitution p.Arg207Gln. To our knowledge, this variant has not been reported in the literature in association with disease. This variant is reported in 0.082% of alleles in individuals of South Asian descent in gnomAD, which may be too frequent to be a primary cause of disease. Although we suspect that this variant may be benign, at this time, the clinical significance of this variant is uncertain due to the absence of conclusive functional and genetic evidence.

OMIM
Classification: Affects for JOHN MILTON HAGEN BLOOD GROUP SYSTEM, JMH-VARIANT PHENOTYPE. Last evaluated: 2007-01-01. Review status: no assertion criteria provided. Collection method: literature only. Allele origin: germline. Not counted in ClinVar's aggregate classification.

Literature cited by the submitters: PubMed 17207242 (cited by OMIM).